The following is an entry in ClinVar:

NM_012470.4(TNPO3):c.2273+16G>A

Gene: TNPO3 (transportin 3; minus strand). Cytogenetic location: 7q32.1.
Variant type: single nucleotide variant.
Coding change: c.2273+16G>A on transcript NM_012470.4 (MANE Select); 16 bases into the intron after coding-DNA position 2273, G replaced by A.
Molecular consequence: intron variant.
Genome position (GRCh38, 1-based): chr7:128,974,852, C>T on the plus strand (G>A on the coding strand, the complement: TNPO3 is on the minus strand). VCF-style: chr7-128974852-C-T. GRCh37 (hg19) VCF-style: chr7-128614906-C-T.
Other names: c.2129+16G>A (NM_001382221.1); c.2126+16G>A (NM_001382222.1); c.2165+16G>A (NM_001382219.1); c.2081+16G>A (NM_001382223.1, NM_001191028.3); c.2132+16G>A (NM_001382220.1); c.2273+16G>A (NM_001382218.1); c.2375+16G>A (NM_001382216.1); c.2354+16G>A (NM_001382217.1).
Identifiers: ClinVar variation 384734 (VCV000384734.10), dbSNP rs116108543, ClinGen allele CA4477916.
Genomic context (GRCh38, chr7:128,974,852, plus strand): 5'-CAACCAAGGGTCAGATGGCAAGACTAAGCAGTGATAGGATGAGCAATTAAGAAATGGGCT[C>T]TTCAGAAGGATTTACCTGGTGGCTAGCCGGAACAGGTCATCTACAGTGTCAGGGTGATTC-3'

ClinVar aggregate classification (germline): Benign/Likely benign. Review status: criteria provided, multiple submitters, no conflicts (2 of 4 stars). 3 submissions from 3 submitters: Benign (2); Likely benign (1). Last evaluated 2026-01-19.

Conditions:
Autosomal dominant limb-girdle muscular dystrophy type 1F (LGMDD2). Also called: Limb-girdle muscular dystrophy, type 1F; MUSCULAR DYSTROPHY, LIMB-GIRDLE, AUTOSOMAL DOMINANT 2. Identifiers: Orphanet 55595, MedGen C1842062, MONDO:0012034, OMIM 608423.

Allele frequency attached by ClinVar (database versions not stated): gnomAD exomes 0.00049; ExAC 0.00063; gnomAD 0.00187 and 0.00200; TOPMed 0.00187; 1000 Genomes Project 30x 0.00203; 1000 Genomes Project 0.00220; ESP Exome Variant Server 0.00254.
gnomAD v4.1: 557 of 1,607,012 alleles (0.035%); highest among the groups gnomAD compares: African/African-American, 0.67%; 1 homozygote.

Submissions (3):

Labcorp Genetics (formerly Invitae), Labcorp
Classification: Benign for Autosomal dominant limb-girdle muscular dystrophy type 1F. Last evaluated: 2026-01-19. Review status: criteria provided, single submitter. Criteria: Invitae Variant Classification Sherloc (09022015). Collection method: clinical testing. Allele origin: germline.

Blueprint Genetics
Classification: Likely benign. Last evaluated: 2024-10-24. Review status: criteria provided, single submitter. Criteria: ACMG Guidelines, 2015. Collection method: clinical testing. Allele origin: germline.

GeneDx
Classification: Benign. Last evaluated: 2016-07-27. Review status: criteria provided, single submitter. Criteria: GeneDx Variant Classification (06012015). Collection method: clinical testing. Allele origin: germline. Affected: yes.
Comment: This variant is considered likely benign or benign based on one or more of the following criteria: it is a conservative change, it occurs at a poorly conserved position in the protein, it is predicted to be benign by multiple in silico algorithms, and/or has population frequency not consistent with disease.